The following is an entry in ClinVar:

ClinVar aggregate classification (germline): Pathogenic (1 of 4 stars; one submission).

Conditions:
Polycystic kidney disease 2 (PKD2). Also called: POLYCYSTIC KIDNEY DISEASE, ADULT, TYPE II; Polycystic Kidney Disease 2, Autosomal Dominant; POLYCYSTIC KIDNEY DISEASE 2 WITH OR WITHOUT POLYCYSTIC LIVER DISEASE. Identifiers: MedGen C2751306, MONDO:0013131, OMIM 613095.

Submission:

Juno Genomics, Hangzhou Juno Genomics, Inc
Classification: Pathogenic for Polycystic kidney disease 2. Review status: criteria provided, single submitter. Criteria: ACMG Guidelines, 2015. Collection method: clinical testing. Allele origin: germline. Affected: yes.
Comment: Absent from controls (or at extremely low frequency if recessive) in Genome Aggregation Database, Exome Sequencing Project, 1000 Genomes Project, or Exome Aggregation Consortium.;Null variant in a gene where loss of function (LOF) is a known mechanism of disease.;Patient's phenotype or family history is highly specific for a disease with a single genetic etiology.

NM_000297.4(PKD2):c.917dup (p.Ser307fs)

Gene: PKD2 (polycystin 2, transient receptor potential cation channel; plus strand). Cytogenetic location: 4q22.1.
Variant type: Duplication.
Coding change: c.917dup on transcript NM_000297.4 (MANE Select); coding-DNA position 917, one base duplicated (G; older notation c.917dupG).
Protein change: p.Ser307fs; shifts the reading frame from serine 307.
Molecular consequence: frameshift variant. On other transcripts: non-coding transcript variant (1).
Genome position (GRCh38, 1-based): chr4:88,038,324, G duplicated. VCF-style (leftmost placement, unchanged base first): chr4-88038323-C-CG. GRCh37 (hg19) VCF-style: chr4-88959475-C-CG.
Other names: short protein forms S307fs.
Identifiers: ClinVar variation 3382033 (VCV003382033.2).